The following is an entry in ClinVar:

ClinVar aggregate classification (germline): Uncertain significance (1 of 4 stars; one submission).

Allele frequency attached by ClinVar (database versions not stated): gnomAD 0.00001; gnomAD exomes 0.00002; TOPMed 0.00004; ExAC 0.00008.
gnomAD v4.1: 18 of 1,187,726 alleles (0.0015%); highest among the groups gnomAD compares: Non-Finnish European, 0.002%; no homozygotes.

Submission:

Labcorp Genetics (formerly Invitae), Labcorp
Classification: Uncertain significance. Last evaluated: 2024-07-03. Review status: criteria provided, single submitter. Criteria: Invitae Variant Classification Sherloc (09022015). Collection method: clinical testing. Allele origin: germline.
Comment: This sequence change replaces isoleucine, which is neutral and non-polar, with valine, which is neutral and non-polar, at codon 41 of the NONO protein (p.Ile41Val). This variant is present in population databases (rs779407194, gnomAD 0.006%). This variant has not been reported in the literature in individuals affected with NONO-related conditions. Advanced modeling of protein sequence and biophysical properties (such as structural, functional, and spatial information, amino acid conservation, physicochemical variation, residue mobility, and thermodynamic stability) performed at Invitae indicates that this missense variant is not expected to disrupt NONO protein function with a negative predictive value of 80%. In summary, the available evidence is currently insufficient to determine the role of this variant in disease. Therefore, it has been classified as a Variant of Uncertain Significance.

NM_007363.5(NONO):c.121A>G (p.Ile41Val)

Gene: NONO (non-POU domain containing octamer binding; plus strand). Cytogenetic location: Xq13.1.
Variant type: single nucleotide variant.
Coding change: c.121A>G on transcript NM_007363.5 (MANE Select); coding-DNA position 121, A replaced by G.
Protein change: p.Ile41Val; replaces isoleucine 41 with valine.
Molecular consequence: missense variant. On other transcripts: intron variant (1).
Genome position (GRCh38, 1-based): chrX:71,290,758, A>G. VCF-style: chrX-71290758-A-G. GRCh37 (hg19) VCF-style: chrX-70510608-A-G.
Other names: c.121A>G, p.Ile41Val (NM_001145408.2, NM_001145409.2); c.-113-1021A>G (NM_001145410.2); short protein forms I41V.
Identifiers: ClinVar variation 3020699 (VCV003020699.3), dbSNP rs779407194, ClinGen allele CA10446048.